The following is an entry in ClinVar:

ClinVar aggregate classification (germline): Likely benign (1 of 4 stars; one submission).

Submission:

CeGaT Center for Human Genetics Tuebingen
Classification: Likely benign. Last evaluated: 2026-08-01. Review status: criteria provided, single submitter. Criteria: CeGaT Center For Human Genetics Tuebingen Variant Classification Criteria Version 2. Collection method: clinical testing. Allele origin: germline. Affected: yes. Observed: 1 variant allele.
Comment: DUT: BP4, BP7

NM_001025248.2(DUT):c.330C>T (p.Gly110=)

Gene: DUT (deoxyuridine triphosphatase; plus strand). Cytogenetic location: 15q21.1.
Variant type: single nucleotide variant.
Coding change: c.330C>T on transcript NM_001025248.2 (MANE Select); coding-DNA position 330, C replaced by T.
Protein change: p.Gly110=; no amino-acid change (glycine 110 retained).
Molecular consequence: synonymous variant. On other transcripts: 5 prime UTR variant (1).
Genome position (GRCh38, 1-based): chr15:48,332,317, C>T. VCF-style: chr15-48332317-C-T. GRCh37 (hg19) VCF-style: chr15-48624514-C-T.
Other names: c.-4C>T (NM_001025249.1); c.75C>T, p.Gly25= (NM_001330286.2); c.66C>T, p.Gly22= (NM_001948.4).
Identifiers: ClinVar variation 5039464 (VCV005039464.1).